The following is an entry in ClinVar:

ClinVar aggregate classification (germline): Pathogenic/Likely pathogenic. Review status: criteria provided, multiple submitters, no conflicts (2 of 4 stars). 2 submissions from 2 submitters: Pathogenic (1); Likely pathogenic (1). Last evaluated 2024-01-13.

Conditions:
Ciliary dyskinesia, primary, 40. Also called: CILIARY DYSKINESIA, PRIMARY, 40, WITH OR WITHOUT SITUS INVERSUS. Identifiers: MedGen C4749028, MONDO:0032664, OMIM 618300.

gnomAD v4.1: 1 of 1,343,500 alleles (0.000074%); highest among the groups gnomAD compares: Non-Finnish European, 0.000097%; no homozygotes.

Submissions (2):

Fulgent Genetics
Classification: Likely pathogenic for Ciliary dyskinesia, primary, 40. Last evaluated: 2024-01-13. Review status: criteria provided, single submitter. Criteria: ACMG Guidelines, 2015. Collection method: clinical testing. Allele origin: germline.

Labcorp Genetics (formerly Invitae), Labcorp
Classification: Pathogenic. Last evaluated: 2023-05-27. Review status: criteria provided, single submitter. Criteria: Invitae Variant Classification Sherloc (09022015). Collection method: clinical testing. Allele origin: germline.
Comment: This sequence change creates a premature translational stop signal (p.Arg24*) in the DNAH9 gene. It is expected to result in an absent or disrupted protein product. Loss-of-function variants in DNAH9 are known to be pathogenic (PMID: 30471718). This variant is not present in population databases (gnomAD no frequency). This variant has not been reported in the literature in individuals affected with DNAH9-related conditions. For these reasons, this variant has been classified as Pathogenic.

Literature cited by the submitters: PubMed 30471718 (cited by Labcorp Genetics (formerly Invitae), Labcorp).

NM_001372.4(DNAH9):c.70C>T (p.Arg24Ter)

Gene: DNAH9 (dynein axonemal heavy chain 9; plus strand). Cytogenetic location: 17p12.
Variant type: single nucleotide variant.
Coding change: c.70C>T on transcript NM_001372.4 (MANE Select); coding-DNA position 70, C replaced by T.
Protein change: p.Arg24Ter; replaces arginine 24 with a stop codon.
Molecular consequence: nonsense.
Genome position (GRCh38, 1-based): chr17:11,598,568, C>T. VCF-style: chr17-11598568-C-T. GRCh37 (hg19) VCF-style: chr17-11501885-C-T.
Other names: short protein forms R24*.
Identifiers: ClinVar variation 2782150 (VCV002782150.4), dbSNP rs774227660, ClinGen allele CA398153259.
Genomic context (GRCh38, chr17:11,598,568, plus strand): 5'-GCGGAGGAGCGGGCCGCGCTCGCGGCGGAGAACGCGGATGGGGAACCCGGCGCCGACCGA[C>T]GACTGCGACTCCTGGGGACCTACGTGGCCATGAGCCTGCGGCCGGCTGCGGGCGCCTGGG-3'